The following is an entry in ClinVar:

NM_003924.4(PHOX2B):c.404T>A (p.Ile135Asn)

Gene: PHOX2B (paired like homeobox 2B; minus strand). Cytogenetic location: 4p13.
Variant type: single nucleotide variant.
Coding change: c.404T>A on transcript NM_003924.4 (MANE Select); coding-DNA position 404, T replaced by A.
Protein change: p.Ile135Asn; replaces isoleucine 135 with asparagine.
Molecular consequence: missense variant.
Genome position (GRCh38, 1-based): chr4:41,747,374, A>T on the plus strand (T>A on the coding strand, the complement: PHOX2B is on the minus strand). VCF-style: chr4-41747374-A-T. GRCh37 (hg19) VCF-style: chr4-41749391-A-T.
Other names: c.404T>A (NM_003924.3); short protein forms I135N.
Identifiers: ClinVar variation 1445034 (VCV001445034.9), dbSNP rs2153112927, ClinGen allele CA356739866.

ClinVar aggregate classification (germline): Uncertain significance. Review status: criteria provided, multiple submitters, no conflicts (2 of 4 stars). 2 submissions from 2 submitters: Uncertain significance (2). Last evaluated 2024-06-23.

Conditions:
Haddad syndrome (OHD). Also called: Ondine-Hirschsprung disease. Identifiers: Orphanet 99803, MedGen C1859049, MONDO:0020493.
Hereditary cancer-predisposing syndrome. Also called: Tumor predisposition; Hereditary Cancer Syndrome; Hereditary neoplastic syndrome; Neoplastic Syndromes, Hereditary. Identifiers: Orphanet 140162, MedGen C0027672, MeSH D009386, MONDO:0015356.

Submissions (2):

Ambry Genetics
Classification: Uncertain significance for Hereditary cancer-predisposing syndrome. Last evaluated: 2024-06-23. Review status: criteria provided, single submitter. Criteria: Ambry Variant Classification Scheme 2023. Collection method: clinical testing. Allele origin: germline.
Comment: The p.I135N variant (also known as c.404T>A), located in coding exon 2 of the PHOX2B gene, results from a T to A substitution at nucleotide position 404. The isoleucine at codon 135 is replaced by asparagine, an amino acid with dissimilar properties. This amino acid position is conserved. In addition, this alteration is predicted to be deleterious by in silico analysis. Based on the available evidence, the clinical significance of this variant remains unclear.

Labcorp Genetics (formerly Invitae), Labcorp
Classification: Uncertain significance for Haddad syndrome. Last evaluated: 2023-10-10. Review status: criteria provided, single submitter. Criteria: Invitae Variant Classification Sherloc (09022015). Collection method: clinical testing. Allele origin: germline.
Comment: This sequence change replaces isoleucine, which is neutral and non-polar, with asparagine, which is neutral and polar, at codon 135 of the PHOX2B protein (p.Ile135Asn). This variant is not present in population databases (gnomAD no frequency). This variant has not been reported in the literature in individuals affected with PHOX2B-related conditions. ClinVar contains an entry for this variant (Variation ID: 1445034). Advanced modeling of protein sequence and biophysical properties (such as structural, functional, and spatial information, amino acid conservation, physicochemical variation, residue mobility, and thermodynamic stability) performed at Invitae indicates that this missense variant is expected to disrupt PHOX2B protein function. In summary, the available evidence is currently insufficient to determine the role of this variant in disease. Therefore, it has been classified as a Variant of Uncertain Significance.